The following is an entry in ClinVar:

ClinVar aggregate classification (germline): Likely benign. Review status: criteria provided, multiple submitters, no conflicts (2 of 4 stars). 2 submissions from 2 submitters: Likely benign (2). Last evaluated 2025-04-28.

Conditions:
Adams-Oliver syndrome 5 (AOS5). Identifiers: Orphanet 974, MedGen C4014970, MONDO:0014459, OMIM 616028.

gnomAD v4.1: 8 of 1,582,914 alleles (0.00051%); highest among the groups gnomAD compares: Middle Eastern, 0.019%; no homozygotes.

Submissions (2):

Women's Health and Genetics/Laboratory Corporation of America, LabCorp
Classification: Likely benign. Last evaluated: 2025-04-28. Review status: criteria provided, single submitter. Criteria: LabCorp Variant Classification Summary - May 2015. Collection method: clinical testing. Allele origin: germline.
Comment: Variant summary: NOTCH1 c.4015-7C>G alters a nucleotide located at a position not widely known to affect splicing. Consensus agreement among computation tools predict no significant impact on normal splicing. However, these predictions have yet to be confirmed by functional studies. The frequency data for this variant in gnomAD is considered unreliable, as metrics indicate poor data quality at this position. To our knowledge, no occurrence of c.4015-7C>G in individuals affected with Adams-Oliver Syndrome 5 and no experimental evidence demonstrating its impact on protein function have been reported. ClinVar contains an entry for this variant (Variation ID: 3251809). Based on the evidence outlined above, the variant was classified as likely benign.

Labcorp Genetics (formerly Invitae), Labcorp
Classification: Likely benign for Adams-Oliver syndrome 5. Last evaluated: 2024-02-23. Review status: criteria provided, single submitter. Criteria: Invitae Variant Classification Sherloc (09022015). Collection method: clinical testing. Allele origin: germline.

NM_017617.5(NOTCH1):c.4015-7C>G

Gene: NOTCH1 (notch receptor 1; minus strand). Cytogenetic location: 9q34.3.
Variant type: single nucleotide variant.
Coding change: c.4015-7C>G on transcript NM_017617.5 (MANE Select); 7 bases into the intron before coding-DNA position 4015, C replaced by G.
Molecular consequence: intron variant.
Genome position (GRCh38, 1-based): chr9:136,505,888, G>C on the plus strand (C>G on the coding strand, the complement: NOTCH1 is on the minus strand). VCF-style: chr9-136505888-G-C. GRCh37 (hg19) VCF-style: chr9-139400340-G-C.
Identifiers: ClinVar variation 3251809 (VCV003251809.5), dbSNP rs761783451.